The following is an entry in ClinVar:

NM_001378454.1(ALMS1):c.6668_6669insTTTTTTTTTTTTTTTTNNNNNNNNNNGGAGAGGGAGAGGGAGAGGGAGAGGGAGAGGGAGAGGGAGAGGGAGAGGGAGAGGGAGAGGGAGAGGGAGAGGGAGAGCCAAATAATGTGCTTTT (p.Leu2223delinsPhePhePhePhePhePheXaaXaaXaaXaaArgGlyArgGlyArgGlyArgGlyArgGlyArgGlyArgGlyArgGlyArgGlyArgGlyArgGlyArgGlyArgAlaLysTer)

Gene: ALMS1 (ALMS1 centrosome and basal body associated protein; plus strand). Cytogenetic location: 2p13.1.
Variant type: Insertion.
Coding change: c.6668_6669insTTTTTTTTTTTTTTTTNNNNNNNNNNGGAGAGGGAGAGGGAGAGGGAGAGGGAGAGGGAGAGGGAGAGGGAGAGGGAGAGGGAGAGGGAGAGGGAGAGGGAGAGCCAAATAATGTGCTTTT on transcript NM_001378454.1 (MANE Select); coding-DNA positions 6668 to 6669, TTTTTTTTTTTTTTTTNNNNNNNNNNGGAGAGGGAGAGGGAGAGGGAGAGGGAGAGGGAGAGGGAGAGGGAGAGGGAGAGGGAGAGGGAGAGGGAGAGGGAGAGCCAAATAATGTGCTTTT inserted.
Protein change: p.Leu2223delinsPhePhePhePhePhePheXaaXaaXaaXaaArgGlyArgGlyArgGlyArgGlyArgGlyArgGlyArgGlyArgGlyArgGlyArgGlyArgGlyArgGlyArgAlaLysTer.
Molecular consequence: nonsense.
Genome position: GRCh38: chr2:73,453,195-73,453,196. GRCh37 (hg19): chr2:73,680,322-73,680,323.
Other names: c.6671_6672insTTTTTTTTTTTTTTTTNNNNNNNNNNGGAGAGGGAGAGGGAGAGGGAGAGGGAGAGGGAGAGGGAGAGGGAGAGGGAGAGGGAGAGGGAGAGGGAGAGGGAGAGCCAAATAATGTGCTTTT, p.Leu2224delinsPhePhePhePhePhePheXaaXaaXaaXaaArgGlyArgGlyArgGlyArgGlyArgGlyArgGlyArgGlyArgGlyArgGlyArgGlyArgGlyArgGlyArgAlaLysTer (NM_015120.4).
Identifiers: ClinVar variation 1074331 (VCV001074331.7), dbSNP rs2103790992.

ClinVar aggregate classification (germline): Pathogenic (1 of 4 stars; one submission).

Conditions:
Alstrom syndrome (ALMS). Identifiers: Orphanet 64, MedGen C0268425, MONDO:0008763, OMIM 203800.

Submission:

Labcorp Genetics (formerly Invitae), Labcorp
Classification: Pathogenic for Alstrom syndrome. Last evaluated: 2020-02-05. Review status: criteria provided, single submitter. Criteria: Invitae Variant Classification Sherloc (09022015). Collection method: clinical testing. Allele origin: germline.
Comment: This sequence change inserts a large fragment of DNA, likely a transposable element, in exon 8 of the ALMS1 gene (c.6671_6672insSVA), causing a frameshift at codon 2224 (p.Leu2224fs). The exact size and sequence of the insertion cannot be determined by the current assay. However, the insertion is expected to result in an absent or disrupted protein product. For these reasons, this variant has been classified as Pathogenic. Retrotransposon insertions including LINE1 (L1), Alu, and SVA (SINE-VNTR-Alu) have been reported to be disease-causing through disruption of either a coding region or splice site (PMID: 19763152, 20307669, 22406018) and loss-of-function variants in ALMS1 are known to be pathogenic (PMID: 17594715). This variant has not been reported in the literature in individuals with ALMS1-related conditions. This variant is not present in population databases (ExAC no frequency).

Literature cited by the submitters: PubMed 19763152; PubMed 20307669; PubMed 22406018; PubMed 17594715.